The following is an entry in ClinVar:

NM_033380.3(COL4A5):c.3319G>A (p.Gly1107Arg)

Gene: COL4A5 (collagen type IV alpha 5 chain; plus strand). Cytogenetic location: Xq22.3.
Variant type: single nucleotide variant.
Coding change: c.3319G>A on transcript NM_033380.3 (MANE Select); coding-DNA position 3319, G replaced by A.
Protein change: p.Gly1107Arg; replaces glycine 1107 with arginine.
Molecular consequence: missense variant.
Genome position (GRCh38, 1-based): chrX:108,655,403, G>A. VCF-style: chrX-108655403-G-A. GRCh37 (hg19) VCF-style: chrX-107898633-G-A.
Other names: c.3319G>A, p.Gly1107Arg (NM_000495.5); short protein forms G1107R.
Identifiers: ClinVar variation 24617 (VCV000024617.19), dbSNP rs104886225, ClinGen allele CA258854.

ClinVar aggregate classification (germline): Pathogenic. Review status: criteria provided, multiple submitters, no conflicts (2 of 4 stars). 7 submissions from 7 submitters: Pathogenic (7). Last evaluated 2025-11-09.

Conditions:
COL4A5-related disorders.
X-linked Alport syndrome (ATS1). Also called: COL4A5-Related Nephropathy; NEPHROPATHY AND DEAFNESS, X-LINKED. Identifiers: Orphanet 63, Orphanet 88917, MedGen C4746986, MONDO:0010520, OMIM 301050.

Submissions (7):

Labcorp Genetics (formerly Invitae), Labcorp
Classification: Pathogenic. Last evaluated: 2025-11-09. Review status: criteria provided, single submitter. Criteria: Invitae Variant Classification Sherloc (09022015). Collection method: clinical testing. Allele origin: germline.
Comment: This sequence change replaces glycine, which is neutral and non-polar, with arginine, which is basic and polar, at codon 1107 of the COL4A5 protein (p.Gly1107Arg). This variant is not present in population databases (gnomAD no frequency). This missense change has been observed in individuals with X-linked Alport syndrome (PMID: 10094548, 29098738). ClinVar contains an entry for this variant (Variation ID: 24617). Invitae Evidence Modeling of protein sequence and biophysical properties (such as structural, functional, and spatial information, amino acid conservation, physicochemical variation, residue mobility, and thermodynamic stability) indicates that this missense variant is expected to disrupt COL4A5 protein function with a positive predictive value of 95%. This variant disrupts the triple helix domain of COL4A5. Glycine residues within the Gly-Xaa-Yaa repeats of the triple helix domain are required for the structure and stability of fibrillar collagens (PMID: 7695699, 8218237, 19344236). In COL4A5, missense variants at these glycine residues are significantly enriched in individuals with disease (PMID: 23720012, 27627812) compared to the general population (ExAC). For these reasons, this variant has been classified as Pathogenic.

Victorian Clinical Genetics Services, Murdoch Childrens Research Institute
Classification: Pathogenic for X-linked Alport syndrome. Last evaluated: 2024-09-20. Review status: criteria provided, single submitter. Criteria: ACMG Guidelines, 2015. Collection method: clinical testing. Allele origin: germline. Inheritance: X-linked dominant inheritance. Affected: yes.
Comment: Based on the classification scheme VCGS_Germline_v1.3.4, this variant is classified as Pathogenic. Following criteria are met: 0103 - Dominant negative and loss of function are known mechanisms of disease in this gene and are associated with X-linked Alport syndrome 1 (MIM#301050). Dominant negative is caused mostly by glycine substitutions that affect the conformation of the protein, and loss of function can be caused by either protein truncating or missense variants (PMID: 24046192, 12028435). (I) 0110 - This gene is associated with X-linked dominant disease. Males are typically more severely affected than females (PMID: 19965530). (I) 0115 - Variants in this gene are known to have variable expressivity. There is intrafamilial variability among affected carrier females, possibly due to variable X-inactivation (PMID: 14514738). (I) 0200 - Variant is predicted to result in a missense amino acid change from glycine to arginine. (I) 0251 - This variant is heterozygous. (I) 0301 - Variant is absent from gnomAD (both v2 and v3). (SP) 0501 - Missense variant consistently predicted to be damaging by multiple in silico tools or highly conserved with a major amino acid change. (SP) 0601 - Variant is located in the well-established functional glycine change within a Gly-X-Y motif (DECIPHER). (SP) 0704 - Another missense variant comparable to the one identified in this case has limited previous evidence for pathogenicity. This alternative change (p.(Gly1107Glu)) has been reported once as likely pathogenic (ClinVar). (SP) 0801 - This variant has strong previous evidence of pathogenicity in unrelated individuals. This variant has been reported multiple times as pathogenic and observed in a family with Alport syndrome (PMID: 34225668, ClinVar). (SP) 1208 - Inheritance information for this variant is not currently available in this individual. (I) Legend: (SP) - Supporting pathogenic, (I) - Information, (SB) - Supporting benign

Fulgent Genetics
Classification: Pathogenic for X-linked Alport syndrome. Last evaluated: 2024-04-13. Review status: criteria provided, single submitter. Criteria: ACMG Guidelines, 2015. Collection method: clinical testing. Allele origin: germline.

Blueprint Genetics
Classification: Pathogenic for COL4A5-related disorders. Last evaluated: 2023-12-21. Review status: criteria provided, single submitter. Criteria: ACMG Guidelines, 2015. Collection method: clinical testing. Allele origin: germline. Affected: yes. Observed: 1 variant allele.

Laboratorio de Genetica e Diagnostico Molecular, Hospital Israelita Albert Einstein
Classification: Pathogenic for X-linked Alport syndrome. Last evaluated: 2022-08-17. Review status: criteria provided, single submitter. Criteria: ACMG Guidelines, 2015. Collection method: clinical testing. Allele origin: germline. Affected: yes. Observed: 1 variant allele.
Comment: ACMG classification criteria: PS4 strong, PM1, PM2 moderated, PP1 supporting, PP3 supporting

GeneDx
Classification: Pathogenic. Last evaluated: 2022-07-13. Review status: criteria provided, single submitter. Criteria: GeneDx Variant Classification Process June 2021. Collection method: clinical testing. Allele origin: germline. Affected: yes.
Comment: In silico analysis, which includes protein predictors and evolutionary conservation, supports a deleterious effect; Not observed at significant frequency in large population cohorts (gnomAD); Affects a glycine residue in a Gly-X-Y motif in the triple helical region of the COL4A5 gene, where the majority of pathogenic missense variants occur, and is predicted to disrupt normal protein folding and function (HGMD; Jais et al., 2000); This variant is associated with the following publications: (PMID: 10094548, 10561141, 30808327, 30577881, 29526710, 26809805, 29098738, 34225668, 31328266, 10752524, 24077912)

GenePathDx, GenePath diagnostics
Classification: Pathogenic for X-linked Alport syndrome. Review status: criteria provided, single submitter. Criteria: GenePathDx_Criteria_classificationV2. Collection method: clinical testing. Allele origin: germline. Inheritance: X-linked inheritance. Affected: yes. Observed: 1 variant allele.

Literature cited by the submitters: PubMed 10094548 (cited by Labcorp Genetics (formerly Invitae), Labcorp); PubMed 29098738 (cited by Labcorp Genetics (formerly Invitae), Labcorp); PubMed 7695699 (cited by Labcorp Genetics (formerly Invitae), Labcorp); PubMed 8218237 (cited by Labcorp Genetics (formerly Invitae), Labcorp); PubMed 19344236 (cited by Labcorp Genetics (formerly Invitae), Labcorp); PubMed 23720012 (cited by Labcorp Genetics (formerly Invitae), Labcorp); PubMed 27627812 (cited by Labcorp Genetics (formerly Invitae), Labcorp); PubMed 12028435 (cited by Victorian Clinical Genetics Services, Murdoch Childrens Research Institute); PubMed 14514738 (cited by Victorian Clinical Genetics Services, Murdoch Childrens Research Institute); PubMed 19965530 (cited by Victorian Clinical Genetics Services, Murdoch Childrens Research Institute); PubMed 24046192 (cited by Victorian Clinical Genetics Services, Murdoch Childrens Research Institute); PubMed 34225668 (cited by Victorian Clinical Genetics Services, Murdoch Childrens Research Institute).